The following is an entry in ClinVar:

NM_004612.4(TGFBR1):c.808A>G (p.Asn270Asp)

Gene: TGFBR1 (transforming growth factor beta receptor 1; plus strand). Cytogenetic location: 9q22.33.
Variant type: single nucleotide variant.
Coding change: c.808A>G on transcript NM_004612.4 (MANE Select); coding-DNA position 808, A replaced by G.
Protein change: p.Asn270Asp; replaces asparagine 270 with aspartic acid.
Molecular consequence: missense variant. On other transcripts: non-coding transcript variant (4), intron variant (2).
Genome position (GRCh38, 1-based): chr9:99,142,538, A>G. VCF-style: chr9-99142538-A-G. GRCh37 (hg19) VCF-style: chr9-101904820-A-G.
Other names: c.577A>G, p.Asn193Asp (NM_001130916.3, NM_001407435.1); c.820A>G, p.Asn274Asp (NM_001306210.2); c.613A>G, p.Asn205Asp (NM_001407418.1, NM_001407419.1, NM_001407420.1 and 1 more transcripts); c.601A>G, p.Asn201Asp (NM_001407423.1, NM_001407424.1, NM_001407425.1 and 8 more transcripts); c.562A>G, p.Asn188Asp (NM_001407436.1); c.100A>G, p.Asn34Asp (NM_001407437.1); c.331A>G, p.Asn111Asp (NM_001407438.1); c.818-2194A>G (NM_001407416.1); and 1 more; short protein forms N111D, N188D, N193D, N201D, N205D, N270D, N274D, N34D.
Identifiers: ClinVar variation 3069404 (VCV003069404.1), dbSNP rs2490222518, ClinGen allele CA374230489.

ClinVar aggregate classification (germline): Uncertain significance (1 of 4 stars; one submission).

Conditions:
Loeys-Dietz syndrome (LDS). Identifiers: Orphanet 60030, MedGen C2697932, MONDO:0018954.

Submission:

All of Us Research Program, National Institutes of Health
Classification: Uncertain significance for Loeys-Dietz syndrome. Last evaluated: 2023-02-15. Review status: criteria provided, single submitter. Criteria: ACMG Guidelines, 2015. Collection method: clinical testing. Allele origin: germline. Inheritance: Autosomal dominant inheritance. Observed: 1 variant allele, 1 heterozygote.
Comment: This missense variant replaces asparagine with aspartic acid at codon 270 of the TGFBR1 protein. Computational prediction is inconclusive regarding the impact of this variant on protein structure and function (internally defined REVEL score threshold 0.5 < inconclusive < 0.7, PMID: 27666373). To our knowledge, functional studies have not been reported for this variant. This variant has not been reported in individuals affected with TGFBR1-related disorders in the literature. This variant has not been identified in the general population by the Genome Aggregation Database (gnomAD). The available evidence is insufficient to determine the role of this variant in disease conclusively. Therefore, this variant is classified as a Variant of Uncertain Significance.

This study involves interpretation of variants in research participants for the purpose of population health screening. Participant phenotype was not available at the time of variant classification. Additional details can be found in publication PMID: 35346344, PMCID: PMC8962531